The following is an entry in ClinVar:

NM_001017420.3(ESCO2):c.1214_1215dup (p.Gln406fs)

Gene: ESCO2 (establishment of sister chromatid cohesion N-acetyltransferase 2; plus strand). Cytogenetic location: 8p21.1.
Variant type: Duplication.
Coding change: c.1214_1215dup on transcript NM_001017420.3 (MANE Select); coding-DNA positions 1214 to 1215, 2 bases duplicated (TG; older notation c.1214_1215dupTG).
Protein change: p.Gln406fs; shifts the reading frame from glutamine 406.
Molecular consequence: frameshift variant.
Genome position (GRCh38, 1-based): chr8:27,788,929-27,788,930, TG duplicated. VCF-style (leftmost placement, unchanged base first): chr8-27788928-A-ATG. GRCh37 (hg19) VCF-style: chr8-27646445-A-ATG.
Other names: short protein forms Q406fs.
Identifiers: ClinVar variation 1456847 (VCV001456847.6), dbSNP rs2128955170, ClinGen allele CA2573142685.

ClinVar aggregate classification (germline): Pathogenic (1 of 4 stars; one submission).

Submission:

Labcorp Genetics (formerly Invitae), Labcorp
Classification: Pathogenic. Last evaluated: 2021-03-02. Review status: criteria provided, single submitter. Criteria: Invitae Variant Classification Sherloc (09022015). Collection method: clinical testing. Allele origin: germline.
Comment: For these reasons, this variant has been classified as Pathogenic. This variant has not been reported in the literature in individuals with ESCO2-related conditions. This variant is not present in population databases (ExAC no frequency). This sequence change creates a premature translational stop signal (p.Gln406Cysfs*24) in the ESCO2 gene. It is expected to result in an absent or disrupted protein product. Loss-of-function variants in ESCO2 are known to be pathogenic (PMID: 15821733, 16380922).

Literature cited by the submitters: PubMed 15821733; PubMed 16380922.